The following is an entry in ClinVar:

ClinVar aggregate classification (germline): Uncertain significance (1 of 4 stars; one submission).

Conditions:
Cataract 14 multiple types. Also called: CATARACT 14, NUCLEAR CORALLIFORM; CATARACT 14, EMBRYONAL NUCLEAR; CATARACT 14, COPPOCK-LIKE; CATARACT 14, NUCLEAR PULVERULENT; CATARACT 14, NUCLEAR PULVERULENT AND POSTERIOR POLAR; CATARACT 14, ZONULAR PULVERULENT. Identifiers: Orphanet 91492, MedGen C1866078, MONDO:0011162, OMIM 601885.

Allele frequency attached by ClinVar (database versions not stated): gnomAD 0.00001; TOPMed 0.00002.
gnomAD v4.1: 2 of 1,606,254 alleles (0.00012%); highest among the groups gnomAD compares: African/African-American, 0.0013%; no homozygotes.

Submission:

Labcorp Genetics (formerly Invitae), Labcorp
Classification: Uncertain significance for Cataract 14 multiple types. Last evaluated: 2022-12-26. Review status: criteria provided, single submitter. Criteria: Invitae Variant Classification Sherloc (09022015). Collection method: clinical testing. Allele origin: germline.
Comment: This sequence change replaces serine, which is neutral and polar, with asparagine, which is neutral and polar, at codon 236 of the GJA3 protein (p.Ser236Asn). In summary, the available evidence is currently insufficient to determine the role of this variant in disease. Therefore, it has been classified as a Variant of Uncertain Significance. Advanced modeling of protein sequence and biophysical properties (such as structural, functional, and spatial information, amino acid conservation, physicochemical variation, residue mobility, and thermodynamic stability) performed at Invitae indicates that this missense variant is not expected to disrupt GJA3 protein function. This variant has not been reported in the literature in individuals affected with GJA3-related conditions. This variant is not present in population databases (gnomAD no frequency).

NM_021954.4(GJA3):c.707G>A (p.Ser236Asn)

Gene: GJA3 (gap junction protein alpha 3; minus strand). Cytogenetic location: 13q12.11.
Variant type: single nucleotide variant.
Coding change: c.707G>A on transcript NM_021954.4 (MANE Select); coding-DNA position 707, G replaced by A.
Protein change: p.Ser236Asn; replaces serine 236 with asparagine.
Molecular consequence: missense variant.
Genome position (GRCh38, 1-based): chr13:20,142,582, C>T on the plus strand (G>A on the coding strand, the complement: GJA3 is on the minus strand). VCF-style: chr13-20142582-C-T. GRCh37 (hg19) VCF-style: chr13-20716721-C-T.
Other names: short protein forms S236N.
Identifiers: ClinVar variation 2724427 (VCV002724427.3), dbSNP rs1286066768, ClinGen allele CA387463850.